The following is an entry in ClinVar:

ClinVar aggregate classification (germline): Likely benign (1 of 4 stars; one submission).

Allele frequency attached by ClinVar (database versions not stated): gnomAD 0.00001.
gnomAD v4.1: 4 of 1,608,772 alleles (0.00025%); highest among the groups gnomAD compares: Admixed American, 0.005%; no homozygotes.

Submission:

GeneDx
Classification: Likely benign. Last evaluated: 2017-01-04. Review status: criteria provided, single submitter. Criteria: GeneDx Variant Classification (06012015). Collection method: clinical testing. Allele origin: germline. Affected: yes.
Comment: This variant is considered likely benign or benign based on one or more of the following criteria: it is a conservative change, it occurs at a poorly conserved position in the protein, it is predicted to be benign by multiple in silico algorithms, and/or has population frequency not consistent with disease.

NM_002485.5(NBN):c.-47C>G

Gene: NBN (nibrin; minus strand). Cytogenetic location: 8q21.3.
Variant type: single nucleotide variant.
Coding change: c.-47C>G on transcript NM_002485.5 (MANE Select); 47 bases upstream of the start codon, C replaced by G.
Molecular consequence: 5 prime UTR variant.
Genome position (GRCh38, 1-based): chr8:89,984,608, G>C on the plus strand (C>G on the coding strand, the complement: NBN is on the minus strand). VCF-style: chr8-89984608-G-C. GRCh37 (hg19) VCF-style: chr8-90996836-G-C.
Other names: c.-343C>G (NM_001024688.3).
Identifiers: ClinVar variation 392624 (VCV000392624.1), dbSNP rs1057524568, ClinGen allele CA16605523.